The following is an entry in ClinVar:

NC_000005.9:g.(?_161309544)_(161309727_?)del

Gene: GABRA1 (gamma-aminobutyric acid type A receptor subunit alpha1; plus strand). Cytogenetic location: 5q34.
Variant type: Deletion.
Identifiers: ClinVar variation 2423399 (VCV002423399.4).

ClinVar aggregate classification (germline): Pathogenic (1 of 4 stars; one submission).

Conditions:
Idiopathic generalized epilepsy. Also called: Generalised epilepsy; EIG. Identifiers: MedGen C0270850, MONDO:0005579, OMIM 600669.
Epilepsy, idiopathic generalized, susceptibility to, 13. Also called: EPILEPSY, JUVENILE MYOCLONIC, SUSCEPTIBILITY TO, 5. Identifiers: Orphanet 307, Orphanet 64280, MedGen C4013473, MONDO:0012627, OMIM 611136.
Epilepsy, childhood absence 4 (ECA4). Also called: EPILEPSY, CHILDHOOD ABSENCE, SUSCEPTIBILITY TO, 4. Identifiers: Orphanet 307, MedGen C1970160.

Submission:

Labcorp Genetics (formerly Invitae), Labcorp
Classification: Pathogenic for Epilepsy, childhood absence 4; Epilepsy, idiopathic generalized, susceptibility to, 13; Idiopathic generalized epilepsy. Last evaluated: 2022-11-15. Review status: criteria provided, single submitter. Criteria: Invitae Variant Classification Sherloc (09022015). Collection method: clinical testing. Allele origin: germline.
Comment: For these reasons, this variant has been classified as Pathogenic. This variant disrupts a region of the GABRA1 protein in which other variant(s) (p.Arg214His) have been determined to be pathogenic (PMID: 27353043). This suggests that this is a clinically significant region of the protein, and that variants that disrupt it are likely to be disease-causing. This variant has not been reported in the literature in individuals affected with GABRA1-related conditions. This variant is a gross deletion of the genomic region encompassing exon(s) 8 of the GABRA1 gene. This variant would be expected to be in-frame, preserving the integrity of the reading frame.

Literature cited by the submitters: PubMed 27353043.